The following is an entry in ClinVar:

NM_000829.4(GRIA4):c.276T>A (p.Phe92Leu)

Gene: GRIA4 (glutamate ionotropic receptor AMPA type subunit 4; plus strand). Cytogenetic location: 11q22.3.
Variant type: single nucleotide variant.
Coding change: c.276T>A on transcript NM_000829.4 (MANE Select); coding-DNA position 276, T replaced by A.
Protein change: p.Phe92Leu; replaces phenylalanine 92 with leucine.
Molecular consequence: missense variant. On other transcripts: non-coding transcript variant (1).
Genome position (GRCh38, 1-based): chr11:105,753,009, T>A. VCF-style: chr11-105753009-T-A. GRCh37 (hg19) VCF-style: chr11-105623735-T-A.
Other names: c.276T>A, p.Phe92Leu (NM_001077243.3, NM_001077244.2, NM_001112812.2); short protein forms F92L.
Identifiers: ClinVar variation 1031667 (VCV001031667.5), dbSNP rs896602790, ClinGen allele CA228021399.
Genomic context (GRCh38, chr11:105,753,009, plus strand): 5'-TAGTTTGTGGTGTTTTCTTCCTCTTGTTTCAGTCTGTTCCCAGTATTCTAGAGGAGTATT[T>A]GCCATTTTTGGACTCTATGATAAGAGGTCGGTACATACCTTGACCTCATTCTGCAGCGCC-3'
Protein context (NP_000820.4, residues 82-102): AFCSQYSRGV[Phe92Leu]AIFGLYDKRS

ClinVar aggregate classification (germline): Uncertain significance. Review status: criteria provided, multiple submitters, no conflicts (2 of 4 stars). 4 submissions from 4 submitters: Uncertain significance (4). Last evaluated 2026-05-19.

Conditions:
Neurodevelopmental disorder with or without seizures and gait abnormalities. Identifiers: MedGen C4693391, MONDO:0060641, OMIM 617864.
Inborn genetic diseases. Identifiers: MedGen C0950123, MeSH D030342.

Allele frequency attached by ClinVar (database versions not stated): gnomAD exomes 0.00001; TOPMed 0.00008; gnomAD 0.00006 and 0.00005.
gnomAD v4.1: 16 of 1,613,216 alleles (0.00099%); highest among the groups gnomAD compares: Admixed American, 0.017%; no homozygotes.

Submissions (4):

Ambry Genetics
Classification: Uncertain significance for Inborn genetic diseases. Last evaluated: 2026-05-19. Review status: criteria provided, single submitter. Criteria: Ambry Variant Classification Scheme 2023. Collection method: clinical testing. Allele origin: germline.

Daryl Scott Lab, Baylor College of Medicine
Classification: Uncertain significance for Neurodevelopmental disorder with or without seizures and gait abnormalities. Last evaluated: 2025-08-25. Review status: criteria provided, single submitter. Criteria: ACMG Guidelines, 2015. Collection method: clinical testing. Allele origin: unknown. Affected: yes. Observed: 1 heterozygote.
Comment: PM2

Fulgent Genetics
Classification: Uncertain significance for Neurodevelopmental disorder with or without seizures and gait abnormalities. Last evaluated: 2021-11-11. Review status: criteria provided, single submitter. Criteria: ACMG Guidelines, 2015. Collection method: clinical testing. Allele origin: unknown.

Baylor Genetics
Classification: Uncertain significance for Neurodevelopmental disorder with or without seizures and gait abnormalities. Last evaluated: 2018-07-19. Review status: criteria provided, single submitter. Criteria: ACMG Guidelines, 2015. Collection method: clinical testing. Allele origin: unknown. Affected: yes.
Comment: This variant was determined to be of uncertain significance according to ACMG Guidelines, 2015 [PMID:25741868].